The following is an entry in ClinVar:

ClinVar aggregate classification (germline): Conflicting classifications of pathogenicity. Review status: criteria provided, conflicting classifications (1 of 4 stars). 4 submissions from 4 submitters: Pathogenic (3); Uncertain significance (1). Last evaluated 2025-10-15.

Conditions:
Cardiovascular phenotype. Identifiers: MedGen CN230736.
Arrhythmogenic right ventricular cardiomyopathy (ARVD). Also called: Arrhythmogenic cardiomyopathy; Arrhythmogenic Right Ventricular Cardiomyopathy (ARVC); Cardiomyopathy, ARVC; Arrhythmogenic right ventricular dysplasia. Identifiers: Orphanet 247, MedGen C0349788, MeSH D019571, MONDO:0016587. Disease mechanism: loss of function. Inheritance: Various modes of inheritance.
Arrhythmogenic right ventricular dysplasia 10. Also called: Arrhythmogenic right ventricular dysplasia/cardiomyopathy, type 10; Arrhythmogenic Right Ventricular Dysplasia/Cardiomyopathy10; ARRHYTHMOGENIC RIGHT VENTRICULAR DYSPLASIA, FAMILIAL, 10. Identifiers: MedGen C1857777, MONDO:0012434, OMIM 610193.

Allele frequency attached by ClinVar (database versions not stated): gnomAD exomes below 0.00001.

Submissions (4):

GeneDx
Classification: Pathogenic. Last evaluated: 2025-10-15. Review status: criteria provided, single submitter. Criteria: GeneDx Variant Classification Process June 2021. Collection method: clinical testing. Allele origin: germline. Affected: yes.
Comment: Frameshift variant predicted to result in protein truncation or nonsense mediated decay in a gene for which loss-of-function is a known mechanism of disease; Not observed at significant frequency in large population cohorts (gnomAD); This variant is associated with the following publications: (PMID: 31589614, 31386562, 25616645)

Labcorp Genetics (formerly Invitae), Labcorp
Classification: Pathogenic for Arrhythmogenic right ventricular dysplasia 10. Last evaluated: 2025-05-12. Review status: criteria provided, single submitter. Criteria: Invitae Variant Classification Sherloc (09022015). Collection method: clinical testing. Allele origin: germline.
Comment: This sequence change creates a premature translational stop signal (p.Glu156Argfs*14) in the DSG2 gene. It is expected to result in an absent or disrupted protein product. Loss-of-function variants in DSG2 are known to be pathogenic (PMID: 17105751, 31386562). This variant is present in population databases (rs794728091, gnomAD 0.003%). This premature translational stop signal has been observed in individual(s) with arrythmogenic right ventricular cardiomyopathy (PMID: 25616645, 31386562). ClinVar contains an entry for this variant (Variation ID: 199822). For these reasons, this variant has been classified as Pathogenic.

All of Us Research Program, National Institutes of Health
Classification: Uncertain significance for Arrhythmogenic right ventricular cardiomyopathy. Last evaluated: 2023-04-10. Review status: criteria provided, single submitter. Criteria: ACMG Guidelines, 2015. Collection method: clinical testing. Allele origin: germline. Inheritance: Autosomal dominant inheritance. Observed: 1 variant allele, 1 heterozygote.
Comment: This variant inserts 1 nucleotide in exon 5 of the DSG2 gene, creating a frameshift and premature translation stop signal. This variant is expected to result in an absent or non-functional protein product. This variant has been reported in individual(s) affected with arrhythmogenic right ventricular dysplasia/cardiomyopathy (PMID: 25616645, 31386562). This variant has been identified in 1/249316 chromosomes in the general population by the Genome Aggregation Database (gnomAD). Although there is a suspicion for a pathogenic role, clinical significance of loss-of-function DSG2 variants in autosomal dominant arrhythmogenic cardiomyopathy is not yet clearly established. The available evidence is insufficient to determine the role of this variant in disease conclusively. Therefore, this variant is classified as a Variant of Uncertain Significance.

This study involves interpretation of variants in research participants for the purpose of population health screening. Participant phenotype was not available at the time of variant classification. Additional details can be found in publication PMID: 35346344, PMCID: PMC8962531

Ambry Genetics
Classification: Pathogenic for Cardiovascular phenotype. Last evaluated: 2019-05-17. Review status: criteria provided, single submitter. Criteria: Ambry Variant Classification Scheme 2023. Collection method: clinical testing. Allele origin: germline.
Comment: The c.464_465insT pathogenic mutation, located in coding exon 5 of the DSG2 gene, results from an insertion of one nucleotide at position 464, causing a translational frameshift with a predicted alternate stop codon (p.E156Rfs*14). This mutation was identified in 1 individual from an arrhythmogenic right ventricular cardiomyopathy registry (Bhonsale A et al. Eur. Heart J., 2015 Apr;36:847-55). In addition to the clinical data presented in the literature, this alteration is expected to result in loss of function by premature protein truncation or nonsense-mediated mRNA decay. As such, this alteration is interpreted as a disease-causing mutation.

Literature cited by the submitters: PubMed 17105751 (cited by Labcorp Genetics (formerly Invitae), Labcorp); PubMed 31386562 (cited by Labcorp Genetics (formerly Invitae), Labcorp and All of Us Research Program, National Institutes of Health); PubMed 25616645 (cited by 3 submitters).

NM_001943.5(DSG2):c.464_465insT (p.Glu156fs)

Gene: DSG2 (desmoglein 2; plus strand). Cytogenetic location: 18q12.1.
Variant type: Insertion.
Coding change: c.464_465insT on transcript NM_001943.5 (MANE Select); coding-DNA positions 464 to 465, T inserted.
Protein change: p.Glu156fs; shifts the reading frame from glutamic acid 156.
Molecular consequence: frameshift variant.
Genome position: GRCh38 VCF-style: chr18-31521184-A-AT. GRCh37 (hg19) VCF-style: chr18-29101147-A-AT.
Other names: c.464_465insT (LRG_397t1); short protein forms E156fs.
Identifiers: ClinVar variation 199822 (VCV000199822.18), dbSNP rs794728091, ClinGen allele CA022113.